The following is an entry in ClinVar:

ClinVar aggregate classification (germline): Likely benign (1 of 4 stars; one submission).

Allele frequency attached by ClinVar (database versions not stated): gnomAD exomes below 0.00001.
gnomAD v4.1: 3 of 1,612,510 alleles (0.00019%); highest among the groups gnomAD compares: African/African-American, 0.0013%; no homozygotes.

Submission:

Laboratory for Molecular Medicine, Mass General Brigham Personalized Medicine
Classification: Likely benign. Last evaluated: 2012-02-10. Review status: criteria provided, single submitter. Criteria: LMM Criteria. Collection method: clinical testing. Allele origin: germline. Observed: 1 variant allele.
Comment: Gln19659Gln in exon 265 of TTN: This variant is not expected to have clinical si gnificance because it does not alter an amino acid residue.

NM_001267550.2(TTN):c.66681A>G (p.Gln22227=)

Genes: TTN-AS1 (TTN antisense RNA 1; plus strand), TTN (titin; minus strand). Cytogenetic location: 2q31.2.
Variant type: single nucleotide variant.
Coding change: c.66681A>G on transcript NM_001267550.2 (MANE Select); coding-DNA position 66681, A replaced by G.
Protein change: p.Gln22227=; no amino-acid change (glutamine 22227 retained).
Molecular consequence: synonymous variant.
Genome position (GRCh38, 1-based): chr2:178,581,587, T>C on the plus strand (A>G on the coding strand, the complement: TTN is on the minus strand). VCF-style: chr2-178581587-T-C. GRCh37 (hg19) VCF-style: chr2-179446314-T-C.
Other names: c.58977A>G, p.Gln19659= (NM_133378.4); c.61758A>G, p.Gln20586= (NM_001256850.1); c.39486A>G, p.Gln13162= (NM_003319.4); c.39861A>G, p.Gln13287= (NM_133432.3); c.40062A>G, p.Gln13354= (NM_133437.4).
Identifiers: ClinVar variation 47239 (VCV000047239.5), dbSNP rs397517665, ClinGen allele CA140419.
Genomic context (GRCh38, chr2:178,581,587, plus strand): 5'-TGGCACATCACTGGGGTCACTGTATCCAATCTTATTAACGGCATACACACGGAATTGATA[T>C]TGTGTGTCTTCCATCAGGCCAGTAACCTCAAAGCGGGTTTTCTGTAGATTCTGTGGTAAG-3'
Protein context (NP_001254479.2, residues 22217-22237): FEVTGLMEDT[Gln22227=]YQFRVYAVNK